The following is an entry in ClinVar:

NM_052963.3(TOP1MT):c.641C>T (p.Thr214Met)

Gene: TOP1MT (DNA topoisomerase I mitochondrial; minus strand). Cytogenetic location: 8q24.3.
Variant type: single nucleotide variant.
Coding change: c.641C>T on transcript NM_052963.3 (MANE Select); coding-DNA position 641, C replaced by T.
Protein change: p.Thr214Met; replaces threonine 214 with methionine.
Molecular consequence: missense variant.
Genome position (GRCh38, 1-based): chr8:143,325,376, G>A on the plus strand (C>T on the coding strand, the complement: TOP1MT is on the minus strand). VCF-style: chr8-143325376-G-A. GRCh37 (hg19) VCF-style: chr8-144407546-G-A.
Other names: c.347C>T, p.Thr116Met (NM_001258446.1, NM_001258447.1); short protein forms T214M, T116M.
Identifiers: ClinVar variation 1906348 (VCV001906348.5), dbSNP rs371662022, ClinGen allele CA4908759.

ClinVar aggregate classification (germline): Uncertain significance (1 of 4 stars; one submission).

Allele frequency attached by ClinVar (database versions not stated): gnomAD 0.00001; ExAC 0.00002; gnomAD exomes 0.00002; TOPMed 0.00003; ESP Exome Variant Server 0.00008.
gnomAD v4.1: 35 of 1,605,738 alleles (0.0022%); highest among the groups gnomAD compares: African/African-American, 0.0027%; no homozygotes.

Submission:

Labcorp Genetics (formerly Invitae), Labcorp
Classification: Uncertain significance. Last evaluated: 2024-10-16. Review status: criteria provided, single submitter. Criteria: Invitae Variant Classification Sherloc (09022015). Collection method: clinical testing. Allele origin: germline.
Comment: This sequence change replaces threonine, which is neutral and polar, with methionine, which is neutral and non-polar, at codon 214 of the TOP1MT protein (p.Thr214Met). This variant is present in population databases (rs371662022, gnomAD 0.007%). This variant has not been reported in the literature in individuals affected with TOP1MT-related conditions. ClinVar contains an entry for this variant (Variation ID: 1906348). An algorithm developed to predict the effect of missense changes on protein structure and function outputs the following: PolyPhen-2: "Benign". The methionine amino acid residue is found in multiple mammalian species, which suggests that this missense change does not adversely affect protein function. In summary, the available evidence is currently insufficient to determine the role of this variant in disease. Therefore, it has been classified as a Variant of Uncertain Significance.